The following is an entry in ClinVar:

ClinVar aggregate classification (germline): Conflicting classifications of pathogenicity. Review status: criteria provided, conflicting classifications (1 of 4 stars). 2 submissions from 2 submitters: Uncertain significance (1); Likely benign (1). Last evaluated 2024-04-24.

Conditions:
Inborn genetic diseases. Identifiers: MedGen C0950123, MeSH D030342.

Allele frequency attached by ClinVar (database versions not stated): ExAC 0.00001; gnomAD 0.00001; TOPMed 0.00001; gnomAD exomes 0.00002; 1000 Genomes Project 30x 0.00016; 1000 Genomes Project 0.00020.

Submissions (2):

Labcorp Genetics (formerly Invitae), Labcorp
Classification: Likely benign. Last evaluated: 2024-04-24. Review status: criteria provided, single submitter. Criteria: Invitae Variant Classification Sherloc (09022015). Collection method: clinical testing. Allele origin: germline.

Ambry Genetics
Classification: Uncertain significance for Inborn genetic diseases. Last evaluated: 2022-08-24. Review status: criteria provided, single submitter. Criteria: Ambry Variant Classification Scheme 2023. Collection method: clinical testing. Allele origin: germline.
Comment: The c.360-5G>C intronic alteration consists of a G to C substitution 5 nucleotides before exon 4 of the NSUN2 gene. Based on insufficient or conflicting evidence, the clinical significance of this alteration remains unclear.

NM_017755.6(NSUN2):c.360-5G>C

Gene: NSUN2 (NOP2/Sun RNA methyltransferase 2; minus strand). Cytogenetic location: 5p15.31.
Variant type: single nucleotide variant.
Coding change: c.360-5G>C on transcript NM_017755.6 (MANE Select); 5 bases into the intron before coding-DNA position 360, G replaced by C.
Molecular consequence: intron variant.
Genome position (GRCh38, 1-based): chr5:6,625,674, C>G on the plus strand (G>C on the coding strand, the complement: NSUN2 is on the minus strand). VCF-style: chr5-6625674-C-G. GRCh37 (hg19) VCF-style: chr5-6625787-C-G.
Other names: c.255-5G>C (NM_001193455.2).
Identifiers: ClinVar variation 2307163 (VCV002307163.4), dbSNP rs186193796, ClinGen allele CA3192819.